The following is an entry in ClinVar:

NM_005435.4(ARHGEF5):c.1091T>C (p.Ile364Thr)

Gene: ARHGEF5 (Rho guanine nucleotide exchange factor 5; plus strand). Cytogenetic location: 7q35.
Variant type: single nucleotide variant.
Coding change: c.1091T>C on transcript NM_005435.4 (MANE Select); coding-DNA position 1091, T replaced by C.
Protein change: p.Ile364Thr; replaces isoleucine 364 with threonine.
Molecular consequence: missense variant.
Genome position (GRCh38, 1-based): chr7:144,363,760, T>C. VCF-style: chr7-144363760-T-C. GRCh37 (hg19) VCF-style: chr7-144060853-T-C.
Other names: short protein forms I364T.
Identifiers: ClinVar variation 4839768 (VCV004839768.1).

ClinVar aggregate classification (germline): Uncertain significance (1 of 4 stars; one submission).

Submission:

Ambry Genetics
Classification: Uncertain significance. Last evaluated: 2026-01-26. Review status: criteria provided, single submitter. Criteria: Ambry Variant Classification Scheme 2023. Collection method: clinical testing. Allele origin: germline.
Comment: The c.1091T>C (p.I364T) alteration is located in exon 2 (coding exon 1) of the ARHGEF5 gene. This alteration results from a T to C substitution at nucleotide position 1091, causing the isoleucine (I) at amino acid position 364 to be replaced by a threonine (T). Based on data from gnomAD, the C allele has an overall frequency of 0.003% (2/74266) total alleles studied. The highest observed frequency was 0.007% (2/28878) of European (non-Finnish) alleles. Based on insufficient or conflicting evidence, the clinical significance of this alteration remains unclear.